The following is an entry in ClinVar:

ClinVar aggregate classification (germline): Likely pathogenic (1 of 4 stars; one submission).

Conditions:
Menkes kinky-hair syndrome (MNK). Also called: Copper transport disease; Classic Menkes Disease; Menkes Disease. Identifiers: Orphanet 565, MedGen C0022716, MONDO:0010651, OMIM 309400.

Submission:

Myriad Genetics, Inc.
Classification: Likely pathogenic for Menkes kinky-hair syndrome. Last evaluated: 2022-03-02. Review status: criteria provided, single submitter. Criteria: Myriad Autosomal Dominant, Autosomal Recessive and X-Linked Classification Criteria (2023). Collection method: clinical testing. Allele origin: unknown.
Comment: NM_000052.5(ATP7A):c.293T>A(L98*) is expected to be pathogenic in the context of ATP7A-related disorders. This variant is predicted to lead to an abnormal or absent protein product due to the creation of a premature termination codon in ATP7A, a gene where loss-of-function variants are known to be pathogenic. Please note: this variant was assessed in the context of healthy population screening.

NM_000052.7(ATP7A):c.293T>A (p.Leu98Ter)

Gene: ATP7A (ATPase copper transporting alpha; plus strand). Cytogenetic location: Xq21.1.
Variant type: single nucleotide variant.
Coding change: c.293T>A on transcript NM_000052.7 (MANE Select); coding-DNA position 293, T replaced by A.
Protein change: p.Leu98Ter; replaces leucine 98 with a stop codon.
Molecular consequence: nonsense.
Genome position (GRCh38, 1-based): chrX:77,988,414, T>A. VCF-style: chrX-77988414-T-A. GRCh37 (hg19) VCF-style: chrX-77243910-T-A.
Other names: c.293T>A, p.Leu98Ter (NM_001282224.2); short protein forms L98*.
Identifiers: ClinVar variation 1724857 (VCV001724857.3), dbSNP rs2522289412, ClinGen allele CA413599325.